The following is an entry in ClinVar:

NM_000321.3(RB1):c.697A>G (p.Met233Val)

Gene: RB1 (RB transcriptional corepressor 1; plus strand). Cytogenetic location: 13q14.2.
Variant type: single nucleotide variant.
Coding change: c.697A>G on transcript NM_000321.3 (MANE Select); coding-DNA position 697, A replaced by G.
Protein change: p.Met233Val; replaces methionine 233 with valine.
Molecular consequence: missense variant.
Genome position (GRCh38, 1-based): chr13:48,360,106, A>G. VCF-style: chr13-48360106-A-G. GRCh37 (hg19) VCF-style: chr13-48934242-A-G.
Other names: short protein forms M233V.
Identifiers: ClinVar variation 458179 (VCV000458179.14), dbSNP rs770860809, ClinGen allele CA249273488.

ClinVar aggregate classification (germline): Conflicting classifications of pathogenicity. Review status: criteria provided, conflicting classifications (1 of 4 stars). 4 submissions from 4 submitters: Uncertain significance (2); Likely benign (2). Last evaluated 2025-12-17.

Conditions:
Hereditary cancer-predisposing syndrome. Also called: Neoplastic Syndromes, Hereditary; Tumor predisposition; Hereditary Cancer Syndrome; Hereditary neoplastic syndrome. Identifiers: Orphanet 140162, MedGen C0027672, MeSH D009386, MONDO:0015356.
Malignant tumor of urinary bladder. Also called: Urinary Bladder Neoplasms; Bladder cancer; Urinary bladder cancer. Identifiers: MedGen C0005684, MONDO:0001187, OMIM 109800.
Retinoblastoma (RB1). Also called: RETINOBLASTOMA, SOMATIC. Identifiers: Orphanet 790, MedGen C0035335, MeSH D012175, MONDO:0008380, OMIM 180200, HP:0009919. Disease mechanism: loss of function. Inheritance: Both sporadic and heritable forms are tested..

Allele frequency attached by ClinVar (database versions not stated): gnomAD exomes below 0.00001 and 0.00001; TOPMed below 0.00001; gnomAD 0.00001.
gnomAD v4.1: 14 of 1,612,624 alleles (0.00087%); highest among the groups gnomAD compares: Admixed American, 0.0033%; no homozygotes.

Submissions (4):

Labcorp Genetics (formerly Invitae), Labcorp
Classification: Likely benign for Retinoblastoma. Last evaluated: 2025-12-17. Review status: criteria provided, single submitter. Criteria: Invitae Variant Classification Sherloc (09022015). Collection method: clinical testing. Allele origin: germline.

All of Us Research Program, National Institutes of Health
Classification: Uncertain significance for Retinoblastoma. Last evaluated: 2024-05-14. Review status: criteria provided, single submitter. Criteria: ACMG Guidelines, 2015. Collection method: clinical testing. Allele origin: germline. Inheritance: Autosomal dominant inheritance. Observed: 8 variant alleles, 8 heterozygotes.
Comment: This missense variant replaces methionine with valine at codon 233 of the RB1 protein. Computational prediction suggests that this variant may not impact protein structure and function (internally defined REVEL score threshold <= 0.5, PMID: 27666373). To our knowledge, functional studies have not been reported for this variant. This variant has not been reported in individuals affected with RB1-related disorders in the literature. This variant has been identified in 1/250636 chromosomes in the general population by the Genome Aggregation Database (gnomAD). The available evidence is insufficient to determine the role of this variant in disease conclusively. Therefore, this variant is classified as a Variant of Uncertain Significance.

This study involves interpretation of variants in research participants for the purpose of population health screening. Participant phenotype was not available at the time of variant classification. Additional details can be found in publication PMID: 35346344, PMCID: PMC8962531

Baylor Genetics
Classification: Uncertain significance for Malignant tumor of urinary bladder. Last evaluated: 2023-06-12. Review status: criteria provided, single submitter. Criteria: ACMG Guidelines, 2015. Collection method: clinical testing. Allele origin: unknown.

Ambry Genetics
Classification: Likely benign for Hereditary cancer-predisposing syndrome. Last evaluated: 2021-03-23. Review status: criteria provided, single submitter. Criteria: Ambry Variant Classification Scheme 2023. Collection method: clinical testing. Allele origin: germline.